The following is an entry in ClinVar:

ClinVar aggregate classification (germline): Uncertain significance (1 of 4 stars; one submission).

Conditions:
CPSF1-related disorder. Also called: CPSF1-related condition.

gnomAD v4.1: 3 of 1,601,544 alleles (0.00019%); highest among the groups gnomAD compares: South Asian, 0.0022%; no homozygotes.

Submission:

PreventionGenetics, part of Exact Sciences
Classification: Uncertain significance for CPSF1-related condition. Last evaluated: 2026-03-09. Review status: criteria provided, single submitter. Criteria: ACMG Guidelines, 2015. Collection method: clinical testing. Allele origin: germline.
Comment: The CPSF1 c.4146-8C>G variant is predicted to interfere with splicing. Based on available splicing prediction programs (Alamut Visual v1.6.1; SpliceAI, Jaganathan et al. 2019. PubMed ID: 30661751), this variant is predicted to abolish the consensus and create a novel or cryptic splice acceptor site; however, the use of computer prediction programs is not equivalent to functional evidence. To our knowledge, this variant has not been reported in the literature or in a large population database (gnomAD), indicating this variant is rare. At this time, the clinical significance of this variant is uncertain due to the absence of conclusive functional and genetic evidence.

NM_013291.3(CPSF1):c.4146-8C>G

Gene: CPSF1 (cleavage and polyadenylation specific factor 1; minus strand). Cytogenetic location: 8q24.3.
Variant type: single nucleotide variant.
Coding change: c.4146-8C>G on transcript NM_013291.3 (MANE Select); 8 bases into the intron before coding-DNA position 4146, C replaced by G.
Molecular consequence: intron variant.
Genome position (GRCh38, 1-based): chr8:144,393,598, G>C on the plus strand (C>G on the coding strand, the complement: CPSF1 is on the minus strand). VCF-style: chr8-144393598-G-C. GRCh37 (hg19) VCF-style: chr8-145618813-G-C.
Identifiers: ClinVar variation 4996439 (VCV004996439.1).